The following is an entry in ClinVar:

NM_001013838.3(CARMIL2):c.784G>T (p.Val262Phe)

Gene: CARMIL2 (capping protein regulator and myosin 1 linker 2; plus strand). Cytogenetic location: 16q22.1.
Variant type: single nucleotide variant.
Coding change: c.784G>T on transcript NM_001013838.3 (MANE Select); coding-DNA position 784, G replaced by T.
Protein change: p.Val262Phe; replaces valine 262 with phenylalanine.
Molecular consequence: missense variant.
Genome position (GRCh38, 1-based): chr16:67,647,515, G>T. VCF-style: chr16-67647515-G-T. GRCh37 (hg19) VCF-style: chr16-67681418-G-T.
Other names: c.784G>T, p.Val262Phe (NM_001317026.3); short protein forms V262F.
Identifiers: ClinVar variation 1421318 (VCV001421318.5), dbSNP rs932703205, ClinGen allele CA283202812.
Genomic context (GRCh38, chr16:67,647,515, plus strand): 5'-GGAGGGGTTGGCAAACCAGGGGCAGAATCTCATGCCTGGGGTCTGGTCCCCAGAGACTTT[G>T]TCCGACGACTGGCCCAGGCGCTGGCGGGACACTCAAGCTCTGGGCTGCGGGAGCTCAGCC-3'
Protein context (NP_001013860.1, residues 252-272): LETCSLRGDF[Val262Phe]RRLAQALAGH

ClinVar aggregate classification (germline): Uncertain significance (1 of 4 stars; one submission).

Allele frequency attached by ClinVar (database versions not stated): gnomAD exomes below 0.00001 and 0.00001; TOPMed below 0.00001; gnomAD 0.00001.
gnomAD v4.1: 17 of 1,604,466 alleles (0.0011%); highest among the groups gnomAD compares: Admixed American, 0.0017%; no homozygotes.

Submission:

Labcorp Genetics (formerly Invitae), Labcorp
Classification: Uncertain significance. Last evaluated: 2021-08-24. Review status: criteria provided, single submitter. Criteria: Invitae Variant Classification Sherloc (09022015). Collection method: clinical testing. Allele origin: germline.
Comment: This sequence change replaces valine with phenylalanine at codon 262 of the CARMIL2 protein (p.Val262Phe). The valine residue is weakly conserved and there is a small physicochemical difference between valine and phenylalanine. This variant is not present in population databases (ExAC no frequency). This variant has not been reported in the literature in individuals affected with CARMIL2-related conditions. Algorithms developed to predict the effect of missense changes on protein structure and function are either unavailable or do not agree on the potential impact of this missense change (SIFT: "Deleterious"; PolyPhen-2: "Benign"; Align-GVGD: "Class C0"). In summary, the available evidence is currently insufficient to determine the role of this variant in disease. Therefore, it has been classified as a Variant of Uncertain Significance.